The following is an entry in ClinVar:

NM_003072.5(SMARCA4):c.3633G>A (p.Glu1211=)

Gene: SMARCA4 (SWI/SNF related BAF chromatin remodeling complex subunit ATPase 4; plus strand). Cytogenetic location: 19p13.2.
Variant type: single nucleotide variant.
Coding change: c.3633G>A on transcript NM_003072.5 (MANE Select); coding-DNA position 3633, G replaced by A.
Protein change: p.Glu1211=; no amino-acid change (glutamic acid 1211 retained).
Molecular consequence: synonymous variant. On other transcripts: non-coding transcript variant (1).
Genome position (GRCh38, 1-based): chr19:11,033,376, G>A. VCF-style: chr19-11033376-G-A. GRCh37 (hg19) VCF-style: chr19-11144052-G-A.
Other names: c.3633G>A, p.Glu1211= (NM_001128844.3, NM_001128845.2, NM_001128846.2 and 4 more transcripts).
Identifiers: ClinVar variation 732163 (VCV000732163.12), dbSNP rs776956288, ClinGen allele CA9204481.

ClinVar aggregate classification (germline): Benign/Likely benign. Review status: criteria provided, multiple submitters, no conflicts (2 of 4 stars). 4 submissions from 4 submitters: Benign (1); Likely benign (3). Last evaluated 2026-07-15.

Conditions:
Hereditary cancer-predisposing syndrome. Also called: Hereditary neoplastic syndrome; Neoplastic Syndromes, Hereditary; Tumor predisposition; Hereditary Cancer Syndrome. Identifiers: Orphanet 140162, MedGen C0027672, MeSH D009386, MONDO:0015356.
Rhabdoid tumor predisposition syndrome 2 (RTPS2). Identifiers: Orphanet 231108, Orphanet 69077, MedGen C2750074, MONDO:0013224, OMIM 613325.

Allele frequency attached by ClinVar (database versions not stated): TOPMed 0.00001; ExAC 0.00001; gnomAD 0.00001; gnomAD exomes below 0.00001.
gnomAD v4.1: 4 of 1,613,352 alleles (0.00025%); highest among the groups gnomAD compares: African/African-American, 0.0027%; no homozygotes.

Submissions (4):

Myriad Genetics, Inc.
Classification: Benign for Rhabdoid tumor predisposition syndrome 2. Last evaluated: 2026-07-15. Review status: criteria provided, single submitter. Criteria: Myriad Autosomal Dominant, Autosomal Recessive and X-Linked Classification Criteria (2023). Collection method: clinical testing. Allele origin: unknown.
Comment: This variant is considered benign. This variant is a silent/synonymous amino acid change and it is not expected to impact splicing.

Labcorp Genetics (formerly Invitae), Labcorp
Classification: Likely benign for Rhabdoid tumor predisposition syndrome 2. Last evaluated: 2025-12-13. Review status: criteria provided, single submitter. Criteria: Invitae Variant Classification Sherloc (09022015). Collection method: clinical testing. Allele origin: germline.

Quest Diagnostics Nichols Institute San Juan Capistrano
Classification: Likely benign. Last evaluated: 2023-05-04. Review status: criteria provided, single submitter. Criteria: Quest Diagnostics criteria. Collection method: clinical testing. Allele origin: unknown.

Ambry Genetics
Classification: Likely benign for Hereditary cancer-predisposing syndrome. Last evaluated: 2018-02-05. Review status: criteria provided, single submitter. Criteria: Ambry Variant Classification Scheme 2023. Collection method: clinical testing. Allele origin: germline.